The following is an entry in ClinVar:

ClinVar aggregate classification (germline): Uncertain significance. Review status: criteria provided, multiple submitters, no conflicts (2 of 4 stars). 2 submissions from 2 submitters: Uncertain significance (2). Last evaluated 2024-12-31.

Conditions:
Inborn genetic diseases. Identifiers: MedGen C0950123, MeSH D030342.
Aortic valve disease 2 (AOVD2). Identifiers: MedGen C3542024, MONDO:0013902, OMIM 614823.

gnomAD v4.1: 1 of 1,278,082 alleles (0.000078%); highest among the groups gnomAD compares: African/African-American, 0.0016%; no homozygotes.

Submissions (2):

Ambry Genetics
Classification: Uncertain significance for Inborn genetic diseases. Last evaluated: 2024-12-31. Review status: criteria provided, single submitter. Criteria: Ambry Variant Classification Scheme 2023. Collection method: clinical testing. Allele origin: germline.
Comment: The p.P62S variant (also known as c.184C>T), located in coding exon 1 of the SMAD6 gene, results from a C to T substitution at nucleotide position 184. The proline at codon 62 is replaced by serine, an amino acid with similar properties. This amino acid position is conserved. In addition, this alteration is predicted to be tolerated by in silico analysis. Based on the available evidence, the clinical significance of this variant remains unclear.

Labcorp Genetics (formerly Invitae), Labcorp
Classification: Uncertain significance for Aortic valve disease 2. Last evaluated: 2024-07-23. Review status: criteria provided, single submitter. Criteria: Invitae Variant Classification Sherloc (09022015). Collection method: clinical testing. Allele origin: germline.
Comment: This sequence change replaces proline, which is neutral and non-polar, with serine, which is neutral and polar, at codon 62 of the SMAD6 protein (p.Pro62Ser). This variant is not present in population databases (gnomAD no frequency). This variant has not been reported in the literature in individuals affected with SMAD6-related conditions. An algorithm developed to predict the effect of missense changes on protein structure and function outputs the following: PolyPhen-2: "Benign". The serine amino acid residue is found in multiple mammalian species, which suggests that this missense change does not adversely affect protein function. In summary, the available evidence is currently insufficient to determine the role of this variant in disease. Therefore, it has been classified as a Variant of Uncertain Significance.

NM_005585.5(SMAD6):c.184C>T (p.Pro62Ser)

Gene: SMAD6 (SMAD family member 6; plus strand). Cytogenetic location: 15q22.31.
Variant type: single nucleotide variant.
Coding change: c.184C>T on transcript NM_005585.5 (MANE Select); coding-DNA position 184, C replaced by T.
Protein change: p.Pro62Ser; replaces proline 62 with serine.
Molecular consequence: missense variant. On other transcripts: non-coding transcript variant (1).
Genome position (GRCh38, 1-based): chr15:66,703,442, C>T. VCF-style: chr15-66703442-C-T. GRCh37 (hg19) VCF-style: chr15-66995780-C-T.
Other names: c.184C>T (NM_005585.4); short protein forms P62S.
Identifiers: ClinVar variation 3701355 (VCV003701355.3).